The following is an entry in ClinVar:

NM_001271.4(CHD2):c.3257_3258del (p.Asp1086fs)

Gene: CHD2 (chromodomain helicase DNA binding protein 2; plus strand). Cytogenetic location: 15q26.1.
Variant type: Deletion.
Coding change: c.3257_3258del on transcript NM_001271.4 (MANE Select); coding-DNA positions 3257 to 3258, 2 bases deleted (AC; older notation c.3257_3258delAC).
Protein change: p.Asp1086fs; shifts the reading frame from aspartic acid 1086.
Molecular consequence: frameshift variant.
Genome position (GRCh38, 1-based): chr15:92,985,517-92,985,518, AC deleted. VCF-style (leftmost placement, unchanged base first): chr15-92985516-GAC-G. GRCh37 (hg19) VCF-style: chr15-93528746-GAC-G.
Other names: short protein forms D1086fs.
Identifiers: ClinVar variation 3656569 (VCV003656569.2).
Genomic context (GRCh38, chr15:92,985,516, plus strand): 5'-TTCGCACTTGTTACAGTGTGACTTTGCCTCGATCTTTCTCAGGCTCAGACAAATGACAGT[GAC>G]TCTGACACTGAGTCTAAGAGGCAGGCCCAGAGATCCTCTGCTTCTGAGAGTGAAACGGAA-3'

ClinVar aggregate classification (germline): Pathogenic (1 of 4 stars; one submission).

Conditions:
Developmental and epileptic encephalopathy 94 (DEE94). Also called: CHD2-Related Neurodevelopmental Disorders; Epileptic encephalopathy, childhood-onset. Identifiers: Orphanet 1942, Orphanet 2382, MedGen C3809278, MONDO:0014150, OMIM 615369.

Submission:

Labcorp Genetics (formerly Invitae), Labcorp
Classification: Pathogenic for Developmental and epileptic encephalopathy 94. Last evaluated: 2024-06-13. Review status: criteria provided, single submitter. Criteria: Invitae Variant Classification Sherloc (09022015). Collection method: clinical testing. Allele origin: germline.
Comment: This sequence change creates a premature translational stop signal (p.Asp1086Valfs*2) in the CHD2 gene. It is expected to result in an absent or disrupted protein product. Loss-of-function variants in CHD2 are known to be pathogenic (PMID: 23708187, 24207121). This variant is not present in population databases (gnomAD no frequency). This variant has not been reported in the literature in individuals affected with CHD2-related conditions. For these reasons, this variant has been classified as Pathogenic.

Literature cited by the submitters: PubMed 23708187; PubMed 24207121.